The following is an entry in ClinVar:

NM_006231.4(POLE):c.2513C>T (p.Thr838Ile)

Gene: POLE (DNA polymerase epsilon, catalytic subunit; minus strand). Cytogenetic location: 12q24.33.
Variant type: single nucleotide variant.
Coding change: c.2513C>T on transcript NM_006231.4 (MANE Select); coding-DNA position 2513, C replaced by T.
Protein change: p.Thr838Ile; replaces threonine 838 with isoleucine.
Molecular consequence: missense variant.
Genome position (GRCh38, 1-based): chr12:132,664,418, G>A on the plus strand (C>T on the coding strand, the complement: POLE is on the minus strand). VCF-style: chr12-132664418-G-A. GRCh37 (hg19) VCF-style: chr12-133241004-G-A.
Other names: short protein forms T838I.
Identifiers: ClinVar variation 645902 (VCV000645902.10), dbSNP rs1593783045, ClinGen allele CA387396433.
Genomic context (GRCh38, chr12:132,664,418, plus strand): 5'-TTCTGCACTCACCCAATCTGCTCGATCAGCTCCCGTGCCTGGGTGATGATGTTGGCCCCT[G>A]TGAAGCAGACGATGCCAGCCATCTCCATGGAGTACCAGCGAGCCCTGAGAGGACACCACA-3'
Protein context (NP_006222.2, residues 828-848): SMEMAGIVCF[Thr838Ile]GANIITQARE

ClinVar aggregate classification (germline): Uncertain significance (1 of 4 stars; one submission).

Submission:

Labcorp Genetics (formerly Invitae), Labcorp
Classification: Uncertain significance. Last evaluated: 2019-11-22. Review status: criteria provided, single submitter. Criteria: Invitae Variant Classification Sherloc (09022015). Collection method: clinical testing. Allele origin: germline.
Comment: Algorithms developed to predict the effect of missense changes on protein structure and function (SIFT, PolyPhen-2, Align-GVGD) all suggest that this variant is likely to be disruptive, but these predictions have not been confirmed by published functional studies and their clinical significance is uncertain. In summary, the available evidence is currently insufficient to determine the role of this variant in disease. Therefore, it has been classified as a Variant of Uncertain Significance. This variant has not been reported in the literature in individuals with POLE-related disease. This variant is not present in population databases (ExAC no frequency). This sequence change replaces threonine with isoleucine at codon 838 of the POLE protein (p.Thr838Ile). The threonine residue is highly conserved and there is a moderate physicochemical difference between threonine and isoleucine.